The following is an entry in ClinVar:

NM_001204375.2(NPR3):c.146C>G (p.Pro49Arg)

Genes: NPR3 (natriuretic peptide receptor 3; plus strand), LOC123493284 (Sharpr-MPRA regulatory region 158; plus strand). Cytogenetic location: 5p13.3.
Variant type: single nucleotide variant.
Coding change: c.146C>G on transcript NM_001204375.2 (MANE Select); coding-DNA position 146, C replaced by G.
Protein change: p.Pro49Arg; replaces proline 49 with arginine.
Molecular consequence: missense variant. On other transcripts: intron variant (4).
Genome position (GRCh38, 1-based): chr5:32,711,922, C>G. VCF-style: chr5-32711922-C-G. GRCh37 (hg19) VCF-style: chr5-32712028-C-G.
Other names: c.146C>G, p.Pro49Arg (NM_000908.4); c.50-12776C>G (NM_001364458.2); c.121+1139C>G (NM_001363652.2, NM_001204376.2, NM_001364460.2); c.146C>G (NM_001204375.1); short protein forms P49R.
Identifiers: ClinVar variation 2012858 (VCV002012858.5), dbSNP rs1738264446, ClinGen allele CA359466273.

ClinVar aggregate classification (germline): Uncertain significance. Review status: criteria provided, multiple submitters, no conflicts (2 of 4 stars). 2 submissions from 2 submitters: Uncertain significance (2). Last evaluated 2025-02-05.

Conditions:
Inborn genetic diseases. Identifiers: MedGen C0950123, MeSH D030342.

gnomAD v4.1: 1 of 1,503,082 alleles (0.000067%); highest among the groups gnomAD compares: Admixed American, 0.0023%; no homozygotes.

Submissions (2):

Ambry Genetics
Classification: Uncertain significance for Inborn genetic diseases. Last evaluated: 2025-02-05. Review status: criteria provided, single submitter. Criteria: Ambry Variant Classification Scheme 2023. Collection method: clinical testing. Allele origin: germline.

Labcorp Genetics (formerly Invitae), Labcorp
Classification: Uncertain significance. Last evaluated: 2022-07-01. Review status: criteria provided, single submitter. Criteria: Invitae Variant Classification Sherloc (09022015). Collection method: clinical testing. Allele origin: germline.
Comment: This sequence change replaces proline, which is neutral and non-polar, with arginine, which is basic and polar, at codon 49 of the NPR3 protein (p.Pro49Arg). In summary, the available evidence is currently insufficient to determine the role of this variant in disease. Therefore, it has been classified as a Variant of Uncertain Significance. Algorithms developed to predict the effect of missense changes on protein structure and function (SIFT, PolyPhen-2, Align-GVGD) all suggest that this variant is likely to be tolerated. This variant has not been reported in the literature in individuals affected with NPR3-related conditions. This variant is not present in population databases (gnomAD no frequency).